The following is an entry in ClinVar:

ClinVar aggregate classification (germline): Pathogenic (1 of 4 stars; one submission).

Submission:

GeneDx
Classification: Pathogenic. Last evaluated: 2025-05-16. Review status: criteria provided, single submitter. Criteria: GeneDx Variant Classification Process June 2021. Collection method: clinical testing. Allele origin: germline. Affected: yes.
Comment: Canonical splice site variant predicted to result in an in-frame loss of the adjacent exon in a gene for which loss of function is a known mechanism of disease; Not observed at significant frequency in large population cohorts (gnomAD); Has not been previously published as pathogenic or benign to our knowledge

NM_014159.7(SETD2):c.5278-1G>A

Gene: SETD2 (SET domain containing 2, histone lysine methyltransferase; minus strand). Cytogenetic location: 3p21.31.
Variant type: single nucleotide variant.
Coding change: c.5278-1G>A on transcript NM_014159.7 (MANE Select); the canonical splice acceptor site of the intron before coding-DNA position 5278, G replaced by A.
Molecular consequence: splice acceptor variant.
Genome position (GRCh38, 1-based): chr3:47,086,315, C>T on the plus strand (G>A on the coding strand, the complement: SETD2 is on the minus strand). VCF-style: chr3-47086315-C-T. GRCh37 (hg19) VCF-style: chr3-47127805-C-T.
Other names: c.5146-1G>A (NM_001349370.3).
Identifiers: ClinVar variation 4529743 (VCV004529743.1).